The following is an entry in ClinVar:

NM_000051.4(ATM):c.8156G>A (p.Arg2719His)

Genes: ATM (ATM serine/threonine kinase; plus strand), C11orf65 (chromosome 11 open reading frame 65; minus strand). Cytogenetic location: 11q22.3.
Variant type: single nucleotide variant.
Coding change: c.8156G>A on transcript NM_000051.4 (MANE Select); coding-DNA position 8156, G replaced by A.
Protein change: p.Arg2719His; replaces arginine 2719 with histidine.
Molecular consequence: missense variant. On other transcripts: intron variant (2).
Genome position (GRCh38, 1-based): chr11:108,335,849, G>A. VCF-style: chr11-108335849-G-A. GRCh37 (hg19) VCF-style: chr11-108206576-G-A.
Other names: p.R2719H:CGT>CAT; c.8156G>A, p.Arg2719His (NM_001351834.2); c.641-26778C>T (NM_001330368.2); c.695-557C>T (NM_001351110.2); short protein forms R2719H.
Identifiers: ClinVar variation 127456 (VCV000127456.80), dbSNP rs55982963, ClinGen allele CA287012.

ClinVar aggregate classification (germline): Conflicting classifications of pathogenicity. Review status: criteria provided, conflicting classifications (1 of 4 stars). 31 submissions from 31 submitters: Uncertain significance (25); Likely benign (3). 3 of the submissions do not count toward it. Last evaluated 2026-08-15.

Conditions:
ATM-related cancer predisposition. Also called: ATM-related cancer susceptibility. Identifiers: MedGen CN377759, MONDO:0700270.
ATM-related disorder. Also called: ATM-related disorders; ATM-related condition.
Hereditary cancer-predisposing syndrome. Also called: Neoplastic Syndromes, Hereditary; Hereditary Cancer Syndrome; Tumor predisposition; Hereditary neoplastic syndrome. Identifiers: Orphanet 140162, MedGen C0027672, MeSH D009386, MONDO:0015356.
Breast and/or ovarian cancer. Identifiers: MedGen CN221562.
Familial cancer of breast. Also called: BREAST CANCER, FAMILIAL; hereditary breast carcinoma; Hereditary breast cancer. Identifiers: Orphanet 227535, MedGen C0346153, MONDO:0016419, OMIM 114480. Disease mechanism: loss of function.
Ataxia-telangiectasia syndrome (AT). Also called: Ataxia-telangiectasia, complementation group D; AT, COMPLEMENTATION GROUP C; Ataxia-telangiectasia; ATAXIA-TELANGIECTASIA, COMPLEMENTATION GROUP A; ATAXIA-TELANGIECTASIA, FRESNO VARIANT; Ataxia-telangiectasia, complementation group E. Identifiers: Orphanet 100, MedGen C0004135, MONDO:0008840, OMIM 208900.

Allele frequency attached by ClinVar (database versions not stated): ExAC 0.00017; gnomAD exomes 0.00015 and 0.00013; 1000 Genomes Project 30x 0.00031; 1000 Genomes Project 0.00040; TOPMed 0.00010; ESP Exome Variant Server 0.00008.
gnomAD v4.1: 196 of 1,612,502 alleles (0.012%); highest among the groups gnomAD compares: Admixed American, 0.035%; 1 homozygote.

Submissions 1 to 9 of 31:

PreventionGenetics, part of Exact Sciences
Classification: Uncertain significance for ATM-related condition. Last evaluated: 2026-08-15. Review status: criteria provided, single submitter. Criteria: ACMG Guidelines, 2015. Collection method: clinical testing. Allele origin: germline.
Comment: The ATM c.8156G>A variant is predicted to result in the amino acid substitution p.Arg2719His. This variant was identified in a number of patients with personal and family histories of breast cancer (Table 2, Brunet et al. 2008. PubMed ID: 18384426; Table S3, Guindalini et al. 2022. PubMed ID: 35264596; Table S10, Maxwell et al. 2016. PubMed ID: 27153395). In a large scale study of Breast Cancer risk genes, this variant was seen in 22 patients and 11 controls (Breast Cancer Association Consortium et al. 2021. PubMed ID: 33471991). In silico predictions of the c.8156G>A variant's impact on protein structure are conflicting, ranging from likely neutral to likely deleterious (Table S2, Tavtigian et al. 2009. PubMed ID: 19781682). This variant is reported in 0.058% of alleles in individuals of Latino descent in gnomAD and is classified as a variant of uncertain significance and likely benign in ClinVar (Variation ID: 127456). At this time, the clinical significance of this variant is uncertain due to the absence of conclusive functional and genetic evidence.

Women's Health and Genetics/Laboratory Corporation of America, LabCorp
Classification: Likely benign. Last evaluated: 2026-04-27. Review status: criteria provided, single submitter. Criteria: LabCorp Variant Classification Summary - May 2015. Collection method: clinical testing. Allele origin: germline.
Comment: Variant summary: ATM c.8156G>A (p.Arg2719His) results in a non-conservative amino acid change located in the Phosphatidylinositol 3-/4-kinase, catalytic domain of the encoded protein sequence. Algorithms developed to predict the effect of missense changes on protein structure and function are either unavailable or do not agree on the potential impact of this missense change. The variant allele was found at a frequency of 0.00015 in 275006 control chromosomes, predominantly at a frequency of 0.00058 within the Latino subpopulation in the gnomAD database, including 1 homozygote. The observed variant frequency within Latino control individuals in the gnomAD database exceeds the estimated maximal expected allele frequency for disease-causing variants in ATM. c.8156G>A has been observed in individuals affected with breast cancer (Brunet_2008, Grana_2011, Maxwell_2015, Tavtigian_2009, Tung_2014, Tiao_2017, Mucaki_2016). These reports do not provide unequivocal conclusions about association of the variant with Breast Cancer. At least one publication reports experimental evidence evaluating an impact on protein function. These results showed no damaging effect of this variant (Hanenberg_2025). The following publications have been ascertained in the context of this evaluation (PMID: 18384426, 30197789, 22529920, 21445571, 27153395, 27067391, 19781682, 28652578, 25186627, 40105422). ClinVar contains an entry for this variant (Variation ID: 127456). Based on the evidence outlined above, the variant was classified as likely benign.

St. Jude Molecular Pathology, St. Jude Children's Research Hospital
Classification: Uncertain significance for Ataxia-telangiectasia syndrome. Last evaluated: 2026-02-11. Review status: criteria provided, single submitter. Criteria: St. Jude Assertion Criteria 2020. Collection method: clinical testing. Allele origin: germline.
Comment: The ATM c.8156G>A p.(Arg2719His) missense change has a maximum subpopulation frequency of 0.06% in gnomAD v2.1.1, incl uding 1 homozygote. The in silico tool REVEL is inconclusive about a pathogenic or benign effect of this variant on protein function, and to our knowledge functional studies have not been performed. To our knowledge, this variant has not been reported in individuals with ataxia telangiectasia. In summary, the evidence currently available is insufficient to determine the clinical significance of this variant. It has therefore been classified as of uncertain significance.

Labcorp Genetics (formerly Invitae), Labcorp
Classification: Likely benign for Ataxia-telangiectasia syndrome. Last evaluated: 2026-01-31. Review status: criteria provided, single submitter. Criteria: Invitae Variant Classification Sherloc (09022015). Collection method: clinical testing. Allele origin: germline.

Center for Genomic Medicine, Rigshospitalet, Copenhagen University Hospital
Classification: Uncertain significance. Last evaluated: 2025-12-29. Review status: criteria provided, single submitter. Criteria: ACMG Guidelines, 2015. Collection method: clinical testing. Allele origin: germline.

Quest Diagnostics Nichols Institute San Juan Capistrano
Classification: Uncertain significance. Last evaluated: 2025-04-28. Review status: criteria provided, single submitter. Criteria: Quest Diagnostics criteria. Collection method: clinical testing. Allele origin: unknown.

GeneDx
Classification: Uncertain significance. Last evaluated: 2025-02-18. Review status: criteria provided, single submitter. Criteria: GeneDx Variant Classification Process June 2021. Collection method: clinical testing. Allele origin: germline. Affected: yes.
Comment: In silico analysis supports that this missense variant has a deleterious effect on protein structure/function; Observed in individuals with a personal or family history of breast or other cancers, but also in unaffected controls (PMID: 18384426, 24121791, 25186627, 27153395, 27067391, 28779002, 32522261, 33471991, 35264596, 34326862, 34262154, 35980532, 39001544); This variant is associated with the following publications: (PMID: 21445571, 25503501, 18384426, 22529920, 19781682, 24121791, 26580448, 25525159, 27153395, 27067391, 25925381, 30197789, 17344846, 25186627, 28652578, 30287823, 34426522, 35312250, 36029002, 33471991, 35264596, 32522261, 28779002, 15279808, 23532176, 34326862, 34262154, 36243179, 35980532, 39001544)

Color Diagnostics, LLC DBA Color Health
Classification: Uncertain significance for Hereditary cancer-predisposing syndrome. Last evaluated: 2025-01-21. Review status: criteria provided, single submitter. Criteria: ACMG Guidelines, 2015. Collection method: clinical testing. Allele origin: germline.
Comment: This missense variant replaces arginine with histidine at codon 2719 of the ATM protein. Computational prediction suggests that this variant may not impact protein structure and function. To our knowledge, functional studies have not been reported for this variant. The variant has been reported in individuals affected with breast cancer (PMID: 18384426, 19781682, 35312250, 33471991, 35312250), as well as in two women older than age 70 years with no personal history of cancer (FLOSSIES). In a large international case-control meta-analysis, this variant was reported in 22/60466 cases breast cancer cases and 11/53461 controls (OR=1.769, 95%CI 0.858 to 3.648, p-value=0.162; PMID: 33471991). This variant has also been identified in 37/250828 chromosomes in the general population by the Genome Aggregation Database (gnomAD), including 1 homozygous individual. The available evidence is insufficient to determine the role of this variant in disease conclusively. Therefore, this variant is classified as a Variant of Uncertain Significance.

Ambry Genetics
Classification: Uncertain significance for Hereditary cancer-predisposing syndrome. Last evaluated: 2024-12-20. Review status: criteria provided, single submitter. Criteria: Ambry Variant Classification Scheme 2023. Collection method: clinical testing. Allele origin: germline.
Comment: The p.R2719H variant (also known as c.8156G>A), located in coding exon 55 of the ATM gene, results from a G to A substitution at nucleotide position 8156. The arginine at codon 2719 is replaced by histidine, an amino acid with highly similar properties. This alteration has been identified in multiple individuals with a personal and/or family history of breast cancer (Brunet J et al. Clin. Genet. 2008 May;73:465-73; Tavtigian S et al. Am. J. Hum. Genet. 2009 Oct;85:427-46; Guindalini RSC et al. Sci Rep, 2022 Mar;12:4190; Pereira JZ et al. Mol Biol Rep, 2022 Oct;49:9509-9520; S&aacute;nchez Castro EE et al. Rev Fac Cien. Med Univ Nac Cordoba. 2022 03;79(1):53-56.). This amino acid position is well conserved in available vertebrate species. In addition, the in silico prediction for this alteration is inconclusive. Based on the available evidence, the clinical significance of this variant remains unclear.